The following is an entry in ClinVar:

ClinVar aggregate classification (germline): Uncertain significance. Review status: criteria provided, multiple submitters, no conflicts (2 of 4 stars). 6 submissions from 6 submitters: Uncertain significance (6). Last evaluated 2025-08-01.

Conditions:
Inborn genetic diseases. Identifiers: MedGen C0950123, MeSH D030342.
Developmental and epileptic encephalopathy, 18 (DEE18). Also called: Early infantile epileptic encephalopathy 18. Identifiers: Orphanet 369894, MedGen C3809624, MONDO:0014201, OMIM 615476.

Allele frequency attached by ClinVar (database versions not stated): ExAC 0.00001; gnomAD exomes 0.00006; TOPMed 0.00006; gnomAD 0.00017 and 0.00019.
gnomAD v4.1: 59 of 1,614,070 alleles (0.0037%); highest among the groups gnomAD compares: Admixed American, 0.063%; no homozygotes.

Submissions (6):

CeGaT Center for Human Genetics Tuebingen
Classification: Uncertain significance. Last evaluated: 2025-08-01. Review status: criteria provided, single submitter. Criteria: CeGaT Center For Human Genetics Tuebingen Variant Classification Criteria Version 2. Collection method: clinical testing. Allele origin: germline. Affected: yes. Observed: 1 variant allele.
Comment: SZT2: PM2

Labcorp Genetics (formerly Invitae), Labcorp
Classification: Uncertain significance. Last evaluated: 2025-04-23. Review status: criteria provided, single submitter. Criteria: Invitae Variant Classification Sherloc (09022015). Collection method: clinical testing. Allele origin: germline.
Comment: This sequence change replaces glutamine, which is neutral and polar, with histidine, which is basic and polar, at codon 2868 of the SZT2 protein (p.Gln2868His). This variant is present in population databases (rs762236975, gnomAD 0.03%). This variant has not been reported in the literature in individuals affected with SZT2-related conditions. ClinVar contains an entry for this variant (Variation ID: 654868). Invitae Evidence Modeling of protein sequence and biophysical properties (such as structural, functional, and spatial information, amino acid conservation, physicochemical variation, residue mobility, and thermodynamic stability) indicates that this missense variant is expected to disrupt SZT2 protein function with a positive predictive value of 80%. In summary, the available evidence is currently insufficient to determine the role of this variant in disease. Therefore, it has been classified as a Variant of Uncertain Significance.

GeneDx
Classification: Uncertain significance. Last evaluated: 2024-11-07. Review status: criteria provided, single submitter. Criteria: GeneDx Variant Classification Process June 2021. Collection method: clinical testing. Allele origin: germline.
Comment: In silico analysis indicates that this missense variant does not alter protein structure/function; Has not been previously published as pathogenic or benign to our knowledge

Ambry Genetics
Classification: Uncertain significance for Inborn genetic diseases. Last evaluated: 2024-09-30. Review status: criteria provided, single submitter. Criteria: Ambry Variant Classification Scheme 2023. Collection method: clinical testing. Allele origin: germline.

Genome-Nilou Lab
Classification: Uncertain significance for Developmental and epileptic encephalopathy, 18. Last evaluated: 2023-04-11. Review status: criteria provided, single submitter. Criteria: ACMG Guidelines, 2015. Collection method: clinical testing. Allele origin: germline. Affected: no.

Baylor Genetics
Classification: Uncertain significance for Developmental and epileptic encephalopathy, 18. Last evaluated: 2019-09-13. Review status: criteria provided, single submitter. Criteria: ACMG Guidelines, 2015. Collection method: clinical testing. Allele origin: unknown. Affected: yes.
Comment: This variant was determined to be of uncertain significance according to ACMG Guidelines, 2015 [PMID:25741868].

NM_001365999.1(SZT2):c.8775G>C (p.Gln2925His)

Gene: SZT2 (SZT2 subunit of KICSTOR complex; plus strand). Cytogenetic location: 1p34.2.
Variant type: single nucleotide variant.
Coding change: c.8775G>C on transcript NM_001365999.1 (MANE Select); coding-DNA position 8775, G replaced by C.
Protein change: p.Gln2925His; replaces glutamine 2925 with histidine.
Molecular consequence: missense variant.
Genome position (GRCh38, 1-based): chr1:43,443,746, G>C. VCF-style: chr1-43443746-G-C. GRCh37 (hg19) VCF-style: chr1-43909417-G-C.
Other names: c.8604G>C, p.Gln2868His (NM_015284.4); short protein forms Q2868H, Q2925H.
Identifiers: ClinVar variation 654868 (VCV000654868.22), dbSNP rs762236975, ClinGen allele CA810668.